The following is an entry in ClinVar:

ClinVar aggregate classification (germline): Pathogenic (1 of 4 stars; one submission).

Conditions:
Mucolipidosis type IV (ML4). Also called: ML IV. Identifiers: Orphanet 578, MedGen C0238286, MONDO:0009653, OMIM 252650.

Submission:

Labcorp Genetics (formerly Invitae), Labcorp
Classification: Pathogenic for Mucolipidosis type IV. Last evaluated: 2020-11-21. Review status: criteria provided, single submitter. Criteria: Invitae Variant Classification Sherloc (09022015). Collection method: clinical testing. Allele origin: germline.
Comment: This sequence change creates a premature translational stop signal (p.Pro140Leufs*98) in the MCOLN1 gene. It is expected to result in an absent or disrupted protein product. Loss-of-function variants in MCOLN1 are known to be pathogenic (PMID: 11030752, 11317355). This variant is not present in population databases (ExAC no frequency). For these reasons, this variant has been classified as Pathogenic. This variant has not been reported in the literature in individuals with MCOLN1-related conditions.

Literature cited by the submitters: PubMed 11030752; PubMed 11317355.

NM_020533.3(MCOLN1):c.419del (p.Pro140fs)

Gene: MCOLN1 (mucolipin TRP cation channel 1; plus strand). Cytogenetic location: 19p13.2.
Variant type: Deletion.
Coding change: c.419del on transcript NM_020533.3 (MANE Select); coding-DNA position 419, one base deleted (C; older notation c.419delC).
Protein change: p.Pro140fs; shifts the reading frame from proline 140.
Molecular consequence: frameshift variant.
Genome position (GRCh38, 1-based): chr19:7,526,774, C deleted; the last of 2 consecutive C bases (chr19:7,526,773-7,526,774); deleting either gives the same sequence. VCF-style (leftmost placement, unchanged base first): chr19-7526772-GC-G. GRCh37 (hg19) VCF-style: chr19-7591658-GC-G.
Other names: short protein forms P140fs.
Identifiers: ClinVar variation 1377765 (VCV001377765.6), dbSNP rs2146022798, ClinGen allele CA913046758.
Genomic context (GRCh38, chr19:7,526,772, plus strand): 5'-CTGCAGAGAGCGGGCCGGACTCACAGGCCCTCCCCTTCTCTGCCCACAGTACCTGGCGTT[GC>G]CTGACGTGTCACTGGGCCGGTATGCGTATGTCCGTGGTGGGGGTGACCCTTGGACCAATG-3'